The following is an entry in ClinVar:

NM_001291303.3(FAT4):c.11695T>C (p.Cys3899Arg)

Gene: FAT4 (FAT atypical cadherin 4; plus strand). Cytogenetic location: 4q28.1.
Variant type: single nucleotide variant.
Coding change: c.11695T>C on transcript NM_001291303.3 (MANE Select); coding-DNA position 11695, T replaced by C.
Protein change: p.Cys3899Arg; replaces cysteine 3899 with arginine.
Molecular consequence: missense variant.
Genome position (GRCh38, 1-based): chr4:125,452,705, T>C. VCF-style: chr4-125452705-T-C. GRCh37 (hg19) VCF-style: chr4-126373860-T-C.
Other names: c.11695T>C, p.Cys3899Arg (NM_001291285.3); c.11689T>C, p.Cys3897Arg (NM_024582.6); short protein forms C3897R, C3899R.
Identifiers: ClinVar variation 3343807 (VCV003343807.1).
Genomic context (GRCh38, chr4:125,452,705, plus strand): 5'-TGTCACAATTTAGTGGGAGGATTTTCATGCAGCTGCCCAGATGGCTTCACTGGTAGGGCG[T>C]GTGAGAGAGATATCAATGAGTGCCTGCAGAGTCCTTGCAAGAATGGTGCCATCTGCCAGA-3'
Protein context (NP_001278232.1, residues 3889-3909): SCPDGFTGRA[Cys3899Arg]ERDINECLQS

ClinVar aggregate classification (germline): Uncertain significance (1 of 4 stars; one submission).

gnomAD v4.1: 7 of 1,614,078 alleles (0.00043%); highest among the groups gnomAD compares: Non-Finnish European, 0.00051%; no homozygotes.

Submission:

GeneDx
Classification: Uncertain significance. Last evaluated: 2023-05-26. Review status: criteria provided, single submitter. Criteria: GeneDx Variant Classification Process June 2021. Collection method: clinical testing. Allele origin: germline. Affected: yes.
Comment: Not observed at significant frequency in large population cohorts (gnomAD); In silico analysis supports that this missense variant has a deleterious effect on protein structure/function; Has not been previously published as pathogenic or benign to our knowledge